The following is an entry in ClinVar:

NM_199420.4(POLQ):c.1168G>A (p.Val390Met)

Gene: POLQ (DNA polymerase theta; minus strand). Cytogenetic location: 3q13.33.
Variant type: single nucleotide variant.
Coding change: c.1168G>A on transcript NM_199420.4 (MANE Select); coding-DNA position 1168, G replaced by A.
Protein change: p.Val390Met; replaces valine 390 with methionine.
Molecular consequence: missense variant.
Genome position (GRCh38, 1-based): chr3:121,522,090, C>T on the plus strand (G>A on the coding strand, the complement: POLQ is on the minus strand). VCF-style: chr3-121522090-C-T. GRCh37 (hg19) VCF-style: chr3-121240937-C-T.
Other names: short protein forms V390M.
Identifiers: ClinVar variation 2624465 (VCV002624465.2), dbSNP rs867258788, ClinGen allele CA354121788.
Genomic context (GRCh38, chr3:121,522,090, plus strand): 5'-GTACAGTTTTCTGTAATACAGAGTCCAGTCCTGAAGGCAAACGTCTTAACTGATCCATCA[C>T]TTCCAGGAGTTCTTTTTGTTCCAGAATTACTGGTGGGCATTCAGAGGGTTTCACCAATCC-3'
Protein context (NP_955452.3, residues 380-400): VILEQKELLE[Val390Met]MDQLRRLPSG

ClinVar aggregate classification (germline): Uncertain significance (1 of 4 stars; one submission).

Allele frequency attached by ClinVar (database versions not stated): TOPMed below 0.00001.

Submission:

Ambry Genetics
Classification: Uncertain significance. Last evaluated: 2023-09-04. Review status: criteria provided, single submitter. Criteria: Ambry Variant Classification Scheme 2023. Collection method: clinical testing. Allele origin: germline.
Comment: The p.V390M variant (also known as c.1168G>A), located in coding exon 8 of the POLQ gene, results from a G to A substitution at nucleotide position 1168. The valine at codon 390 is replaced by methionine, an amino acid with highly similar properties. This amino acid position is conserved. In addition, this alteration is predicted to be tolerated by in silico analysis. Since supporting evidence is limited at this time, the clinical significance of this alteration remains unclear.